The following is an entry in ClinVar:

ClinVar aggregate classification (germline): Uncertain significance (1 of 4 stars; one submission).

Conditions:
Deficiency of hydroxymethylglutaryl-CoA lyase (HMGCLD). Also called: Defect in leucine metabolism; 3-hydroxy-3-methylglutaric aciduria; HMG-CoA LYASE DEFICIENCY; HMGCL DEFICIENCY; HYDROXYMETHYLGLUTARIC ACIDURIA. Identifiers: Orphanet 20, MedGen C1533587, MONDO:0009520, OMIM 246450.

Allele frequency attached by ClinVar (database versions not stated): TOPMed below 0.00001.

Submission:

Labcorp Genetics (formerly Invitae), Labcorp
Classification: Uncertain significance for Deficiency of hydroxymethylglutaryl-CoA lyase. Last evaluated: 2022-06-10. Review status: criteria provided, single submitter. Criteria: Invitae Variant Classification Sherloc (09022015). Collection method: clinical testing. Allele origin: germline.
Comment: In summary, the available evidence is currently insufficient to determine the role of this variant in disease. Therefore, it has been classified as a Variant of Uncertain Significance. Algorithms developed to predict the effect of missense changes on protein structure and function output the following: SIFT: "Tolerated"; PolyPhen-2: "Benign"; Align-GVGD: "Class C0". The aspartic acid amino acid residue is found in multiple mammalian species, which suggests that this missense change does not adversely affect protein function. This variant has not been reported in the literature in individuals affected with HMGCL-related conditions. This variant is not present in population databases (gnomAD no frequency). This sequence change replaces asparagine, which is neutral and polar, with aspartic acid, which is acidic and polar, at codon 49 of the HMGCL protein (p.Asn49Asp).

NM_000191.3(HMGCL):c.145A>G (p.Asn49Asp)

Gene: HMGCL (3-hydroxy-3-methylglutaryl-CoA lyase; minus strand). Cytogenetic location: 1p36.11.
Variant type: single nucleotide variant.
Coding change: c.145A>G on transcript NM_000191.3 (MANE Select); coding-DNA position 145, A replaced by G.
Protein change: p.Asn49Asp; replaces asparagine 49 with aspartic acid.
Molecular consequence: missense variant.
Genome position (GRCh38, 1-based): chr1:23,817,583, T>C on the plus strand (A>G on the coding strand, the complement: HMGCL is on the minus strand). VCF-style: chr1-23817583-T-C. GRCh37 (hg19) VCF-style: chr1-24144073-T-C.
Other names: c.145A>G, p.Asn49Asp (NM_001166059.2); short protein forms N49D.
Identifiers: ClinVar variation 1948687 (VCV001948687.3), dbSNP rs1638634965, ClinGen allele CA339029422.